The following is an entry in ClinVar:

NM_001164665.2(KIAA1549):c.4669G>A (p.Asp1557Asn)

Gene: KIAA1549 (KIAA1549; minus strand). Cytogenetic location: 7q34.
Variant type: single nucleotide variant.
Coding change: c.4669G>A on transcript NM_001164665.2 (MANE Select); coding-DNA position 4669, G replaced by A.
Protein change: p.Asp1557Asn; replaces aspartic acid 1557 with asparagine.
Molecular consequence: missense variant.
Genome position (GRCh38, 1-based): chr7:138,869,644, C>T on the plus strand (G>A on the coding strand, the complement: KIAA1549 is on the minus strand). VCF-style: chr7-138869644-C-T. GRCh37 (hg19) VCF-style: chr7-138554390-C-T.
Other names: c.4669G>A, p.Asp1557Asn (NM_020910.3); short protein forms D1557N.
Identifiers: ClinVar variation 965377 (VCV000965377.10), dbSNP rs566691710, ClinGen allele CA4505801.

ClinVar aggregate classification (germline): Uncertain significance. Review status: criteria provided, multiple submitters, no conflicts (2 of 4 stars). 3 submissions from 3 submitters: Uncertain significance (3). Last evaluated 2024-01-02.

Conditions:
Inborn genetic diseases. Identifiers: MedGen C0950123, MeSH D030342.

Allele frequency attached by ClinVar (database versions not stated): gnomAD exomes 0.00001 and 0.00002; ExAC 0.00004; TOPMed 0.00005; 1000 Genomes Project 30x 0.00016; 1000 Genomes Project 0.00020.
gnomAD v4.1: 24 of 1,611,312 alleles (0.0015%); highest among the groups gnomAD compares: Admixed American, 0.023%; no homozygotes.

Submissions (3):

Ambry Genetics
Classification: Uncertain significance for Inborn genetic diseases. Last evaluated: 2024-01-02. Review status: criteria provided, single submitter. Criteria: Ambry Variant Classification Scheme 2023. Collection method: clinical testing. Allele origin: germline.

Blueprint Genetics
Classification: Uncertain significance. Last evaluated: 2023-12-20. Review status: criteria provided, single submitter. Criteria: ACMG Guidelines, 2015. Collection method: clinical testing. Allele origin: germline.

Labcorp Genetics (formerly Invitae), Labcorp
Classification: Uncertain significance. Last evaluated: 2023-10-13. Review status: criteria provided, single submitter. Criteria: Invitae Variant Classification Sherloc (09022015). Collection method: clinical testing. Allele origin: germline.
Comment: This sequence change replaces aspartic acid, which is acidic and polar, with asparagine, which is neutral and polar, at codon 1557 of the KIAA1549 protein (p.Asp1557Asn). This variant is present in population databases (rs566691710, gnomAD 0.01%). This variant has not been reported in the literature in individuals affected with KIAA1549-related conditions. ClinVar contains an entry for this variant (Variation ID: 965377). An algorithm developed to predict the effect of missense changes on protein structure and function (PolyPhen-2) suggests that this variant is likely to be disruptive. In summary, the available evidence is currently insufficient to determine the role of this variant in disease. Therefore, it has been classified as a Variant of Uncertain Significance.